The following is an entry in ClinVar:

NM_016648.4(LARP7):c.627dup (p.Pro210fs)

Genes: LARP7 (La ribonucleoprotein 7, transcriptional regulator; plus strand), MIR302CHG (miR-302/367 cluster host gene; minus strand). Cytogenetic location: 4q25.
Variant type: Duplication.
Coding change: c.627dup on transcript NM_016648.4 (MANE Select); coding-DNA position 627, one base duplicated (T; older notation c.627dupT).
Protein change: p.Pro210fs; shifts the reading frame from proline 210.
Molecular consequence: frameshift variant.
Genome position (GRCh38, 1-based): chr4:112,647,108, T duplicated; the last of 2 consecutive T bases (chr4:112,647,107-112,647,108); duplicating either gives the same sequence. VCF-style (leftmost placement, unchanged base first): chr4-112647106-A-AT. GRCh37 (hg19) VCF-style: chr4-113568262-A-AT.
Other names: c.627dup, p.Pro210fs (NM_001267039.4, NM_001370974.1, NM_001370975.1 and 6 more transcripts); c.390dup, p.Pro131fs (NM_001370981.1, NM_001370982.1); short protein forms P131fs, P210fs.
Identifiers: ClinVar variation 2824153 (VCV002824153.3), dbSNP rs2477776526, ClinGen allele CA2536722983.

ClinVar aggregate classification (germline): Pathogenic (1 of 4 stars; one submission).

Submission:

Labcorp Genetics (formerly Invitae), Labcorp
Classification: Pathogenic. Last evaluated: 2022-12-25. Review status: criteria provided, single submitter. Criteria: Invitae Variant Classification Sherloc (09022015). Collection method: clinical testing. Allele origin: germline.
Comment: This variant is not present in population databases (gnomAD no frequency). This sequence change creates a premature translational stop signal (p.Pro210Serfs*41) in the LARP7 gene. It is expected to result in an absent or disrupted protein product. Loss-of-function variants in LARP7 are known to be pathogenic (PMID: 22865833, 26374271, 26607181). This variant has not been reported in the literature in individuals affected with LARP7-related conditions. For these reasons, this variant has been classified as Pathogenic.

Literature cited by the submitters: PubMed 22865833; PubMed 26374271; PubMed 26607181.